The following is an entry in ClinVar:

NM_000159.4(GCDH):c.548A>G (p.Asn183Ser)

Gene: GCDH (glutaryl-CoA dehydrogenase; plus strand). Cytogenetic location: 19p13.13.
Variant type: single nucleotide variant.
Coding change: c.548A>G on transcript NM_000159.4 (MANE Select); coding-DNA position 548, A replaced by G.
Protein change: p.Asn183Ser; replaces asparagine 183 with serine.
Molecular consequence: missense variant. On other transcripts: non-coding transcript variant (2).
Genome position (GRCh38, 1-based): chr19:12,896,034, A>G. VCF-style: chr19-12896034-A-G. GRCh37 (hg19) VCF-style: chr19-13006848-A-G.
Other names: c.548A>G, p.Asn183Ser (NM_013976.5); c.548A>G (NM_000159.2); short protein forms N183S.
Identifiers: ClinVar variation 2054058 (VCV002054058.5), dbSNP rs772018496, ClinGen allele CA404318040.

ClinVar aggregate classification (germline): Uncertain significance. Review status: criteria provided, multiple submitters, no conflicts (2 of 4 stars). 3 submissions from 3 submitters: Uncertain significance (3). Last evaluated 2025-11-05.

Conditions:
Inborn genetic diseases. Identifiers: MedGen C0950123, MeSH D030342.
Glutaric aciduria, type 1. Also called: GA I; Glutaryl-CoA dehydrogenase deficiency; Glutaric Acidemia Type 1; Glutaricaciduria, type I; Glutaric acidemia type I; Glutaricacidemia Type 1. Identifiers: Orphanet 25, MedGen C0268595, MONDO:0009281, OMIM 231670.

Allele frequency attached by ClinVar (database versions not stated): TOPMed 0.00002; gnomAD 0.00003.

Submissions (3):

Ambry Genetics
Classification: Uncertain significance for Inborn genetic diseases. Last evaluated: 2025-11-05. Review status: criteria provided, single submitter. Criteria: Ambry Variant Classification Scheme 2023. Collection method: clinical testing. Allele origin: germline.

Labcorp Genetics (formerly Invitae), Labcorp
Classification: Uncertain significance for Glutaric aciduria, type 1. Last evaluated: 2024-10-17. Review status: criteria provided, single submitter. Criteria: Invitae Variant Classification Sherloc (09022015). Collection method: clinical testing. Allele origin: germline.
Comment: This sequence change replaces asparagine, which is neutral and polar, with serine, which is neutral and polar, at codon 183 of the GCDH protein (p.Asn183Ser). This variant is present in population databases (no rsID available, gnomAD 0.002%). This variant has not been reported in the literature in individuals affected with GCDH-related conditions. ClinVar contains an entry for this variant (Variation ID: 2054058). Invitae Evidence Modeling of protein sequence and biophysical properties (such as structural, functional, and spatial information, amino acid conservation, physicochemical variation, residue mobility, and thermodynamic stability) indicates that this missense variant is not expected to disrupt GCDH protein function with a negative predictive value of 80%. In summary, the available evidence is currently insufficient to determine the role of this variant in disease. Therefore, it has been classified as a Variant of Uncertain Significance.

Blueprint Genetics
Classification: Uncertain significance. Last evaluated: 2020-11-04. Review status: criteria provided, single submitter. Criteria: ACMG Guidelines, 2015. Collection method: clinical testing. Allele origin: germline.